The following is an entry in ClinVar:

ClinVar aggregate classification (germline): Uncertain significance (1 of 4 stars; one submission).

Conditions:
Neurodegeneration with brain iron accumulation 5 (NBIA5). Also called: STATIC ENCEPHALOPATHY OF CHILDHOOD WITH NEURODEGENERATION IN ADULTHOOD; Beta-propeller protein-associated neurodegeneration. Identifiers: Orphanet 329284, MedGen C3550973, MONDO:0010476, OMIM 300894.

Allele frequency attached by ClinVar (database versions not stated): gnomAD exomes 0.00001.
gnomAD v4.1: 14 of 1,200,671 alleles (0.0012%); highest among the groups gnomAD compares: Non-Finnish European, 0.0015%; no homozygotes.

Submission:

Labcorp Genetics (formerly Invitae), Labcorp
Classification: Uncertain significance for Neurodegeneration with brain iron accumulation 5. Last evaluated: 2024-10-27. Review status: criteria provided, single submitter. Criteria: Invitae Variant Classification Sherloc (09022015). Collection method: clinical testing. Allele origin: germline.
Comment: This sequence change replaces methionine, which is neutral and non-polar, with valine, which is neutral and non-polar, at codon 51 of the WDR45 protein (p.Met51Val). This variant is not present in population databases (gnomAD no frequency). This variant has not been reported in the literature in individuals affected with WDR45-related conditions. ClinVar contains an entry for this variant (Variation ID: 1346224). Invitae Evidence Modeling of protein sequence and biophysical properties (such as structural, functional, and spatial information, amino acid conservation, physicochemical variation, residue mobility, and thermodynamic stability) indicates that this missense variant is not expected to disrupt WDR45 protein function with a negative predictive value of 80%. In summary, the available evidence is currently insufficient to determine the role of this variant in disease. Therefore, it has been classified as a Variant of Uncertain Significance.

NM_001029896.2(WDR45):c.151A>G (p.Met51Val)

Genes: WDR45 (WD repeat domain 45; minus strand), LOC126863256 (BRD4-independent group 4 enhancer GRCh37_chrX:48934848-48936047; plus strand). Cytogenetic location: Xp11.23.
Variant type: single nucleotide variant.
Coding change: c.151A>G on transcript NM_001029896.2 (MANE Select); coding-DNA position 151, A replaced by G.
Protein change: p.Met51Val; replaces methionine 51 with valine.
Molecular consequence: missense variant.
Genome position (GRCh38, 1-based): chrX:49,077,727, T>C on the plus strand (A>G on the coding strand, the complement: WDR45 is on the minus strand). VCF-style: chrX-49077727-T-C. GRCh37 (hg19) VCF-style: chrX-48935386-T-C.
Other names: c.151A>G, p.Met51Val (NM_007075.4); short protein forms M51V.
Identifiers: ClinVar variation 1346224 (VCV001346224.8), dbSNP rs781821289, ClinGen allele CA10408602.
Genomic context (GRCh38, chrX:49,077,727, plus strand): 5'-TACTACCACCGCCCACCAAGGCCAGAAGGTTGGAGCGGTGCAGCATCTCCACCAAGCCCA[T>C]GCTGCCCACCTGCTCGTGGTCTGGACAGGGACCAGGGTGTCAGTGGAGGTGGGAGCCAAC-3'
Protein context (NP_001025067.1, residues 41-61): GHLDHEQVGS[Met51Val]GLVEMLHRSN